The following is an entry in ClinVar:

ClinVar aggregate classification (germline): Uncertain significance. Review status: criteria provided, multiple submitters, no conflicts (2 of 4 stars). 2 submissions from 2 submitters: Uncertain significance (2). Last evaluated 2025-09-24.

Conditions:
Alexander disease (ALXDRD). Also called: Alexander's disease. Identifiers: Orphanet 58, MedGen C0270726, MONDO:0008752, OMIM 203450.

Submissions (2):

Genesolutions, Medical Genetics Institutes, Ho Chi Minh City, Vietnam
Classification: Uncertain significance for Alexander disease. Last evaluated: 2025-09-24. Review status: criteria provided, single submitter. Criteria: ACMG Guidelines, 2015. Collection method: clinical testing. Allele origin: germline. Affected: yes.

Labcorp Genetics (formerly Invitae), Labcorp
Classification: Uncertain significance. Last evaluated: 2024-02-08. Review status: criteria provided, single submitter. Criteria: Invitae Variant Classification Sherloc (09022015). Collection method: clinical testing. Allele origin: germline.
Comment: This sequence change replaces glutamic acid, which is acidic and polar, with glutamine, which is neutral and polar, at codon 314 of the GFAP protein (p.Glu314Gln). This variant is present in population databases (rs181509194, gnomAD 0.02%). This variant has not been reported in the literature in individuals affected with GFAP-related conditions. Advanced modeling of protein sequence and biophysical properties (such as structural, functional, and spatial information, amino acid conservation, physicochemical variation, residue mobility, and thermodynamic stability) has been performed at Invitae for this missense variant, however the output from this modeling did not meet the statistical confidence thresholds required to predict the impact of this variant on GFAP protein function. In summary, the available evidence is currently insufficient to determine the role of this variant in disease. Therefore, it has been classified as a Variant of Uncertain Significance.

NM_002055.5(GFAP):c.940G>C (p.Glu314Gln)

Gene: GFAP (glial fibrillary acidic protein; minus strand). Cytogenetic location: 17q21.31.
Variant type: single nucleotide variant.
Coding change: c.940G>C on transcript NM_002055.5 (MANE Select); coding-DNA position 940, G replaced by C.
Protein change: p.Glu314Gln; replaces glutamic acid 314 with glutamine.
Molecular consequence: missense variant.
Genome position (GRCh38, 1-based): chr17:44,911,423, C>G on the plus strand (G>C on the coding strand, the complement: GFAP is on the minus strand). VCF-style: chr17-44911423-C-G. GRCh37 (hg19) VCF-style: chr17-42988791-C-G.
Other names: c.940G>C, p.Glu314Gln (NM_001131019.3, NM_001242376.3, NM_001363846.2); short protein forms E314Q.
Identifiers: ClinVar variation 3607355 (VCV003607355.3).